The following is an entry in ClinVar:

NM_001084.5(PLOD3):c.1078G>A (p.Val360Met)

Gene: PLOD3 (procollagen-lysine,2-oxoglutarate 5-dioxygenase 3; minus strand). Cytogenetic location: 7q22.1.
Variant type: single nucleotide variant.
Coding change: c.1078G>A on transcript NM_001084.5 (MANE Select); coding-DNA position 1078, G replaced by A.
Protein change: p.Val360Met; replaces valine 360 with methionine.
Molecular consequence: missense variant.
Genome position (GRCh38, 1-based): chr7:101,212,302, C>T on the plus strand (G>A on the coding strand, the complement: PLOD3 is on the minus strand). VCF-style: chr7-101212302-C-T. GRCh37 (hg19) VCF-style: chr7-100855583-C-T.
Other names: short protein forms V360M.
Identifiers: ClinVar variation 2160784 (VCV002160784.1), dbSNP rs183884043, ClinGen allele CA163350966.

ClinVar aggregate classification (germline): Uncertain significance (1 of 4 stars; one submission).

Submission:

Labcorp Genetics (formerly Invitae), Labcorp
Classification: Uncertain significance. Last evaluated: 2022-03-14. Review status: criteria provided, single submitter. Criteria: Invitae Variant Classification Sherloc (09022015). Collection method: clinical testing. Allele origin: germline.
Comment: This sequence change replaces valine, which is neutral and non-polar, with methionine, which is neutral and non-polar, at codon 360 of the PLOD3 protein (p.Val360Met). This variant is present in population databases (no rsID available, gnomAD 0.005%). This variant has not been reported in the literature in individuals affected with PLOD3-related conditions. Algorithms developed to predict the effect of missense changes on protein structure and function are either unavailable or do not agree on the potential impact of this missense change (SIFT: "Deleterious"; PolyPhen-2: "Benign"; Align-GVGD: "Class C0"). In summary, the available evidence is currently insufficient to determine the role of this variant in disease. Therefore, it has been classified as a Variant of Uncertain Significance.